The following is an entry in ClinVar:

NM_014908.4(DOLK):c.965G>A (p.Arg322Gln)

Gene: DOLK (dolichol kinase; minus strand). Cytogenetic location: 9q34.11.
Variant type: single nucleotide variant.
Coding change: c.965G>A on transcript NM_014908.4 (MANE Select); coding-DNA position 965, G replaced by A.
Protein change: p.Arg322Gln; replaces arginine 322 with glutamine.
Molecular consequence: missense variant.
Genome position (GRCh38, 1-based): chr9:128,946,339, C>T on the plus strand (G>A on the coding strand, the complement: DOLK is on the minus strand). VCF-style: chr9-128946339-C-T. GRCh37 (hg19) VCF-style: chr9-131708618-C-T.
Other names: short protein forms R322Q.
Identifiers: ClinVar variation 1903397 (VCV001903397.5), dbSNP rs780038695, ClinGen allele CA5271657.

ClinVar aggregate classification (germline): Uncertain significance. Review status: criteria provided, multiple submitters, no conflicts (2 of 4 stars). 2 submissions from 2 submitters: Uncertain significance (2). Last evaluated 2025-10-27.

Conditions:
Cardiovascular phenotype. Identifiers: MedGen CN230736.
DK1-congenital disorder of glycosylation. Also called: CONGENITAL DISORDER OF GLYCOSYLATION, TYPE Im; CDG Im; DK1 DEFICIENCY; DOLICHOL KINASE DEFICIENCY; DOLK-congenital disorder of glycosylation; Carbohydrate deficient glycoprotein syndrome type 1m. Identifiers: Orphanet 91131, MedGen C1835849, MONDO:0012556, OMIM 610768.

Allele frequency attached by ClinVar (database versions not stated): gnomAD exomes 0.00001; ExAC 0.00002.
gnomAD v4.1: 14 of 1,613,990 alleles (0.00087%); highest among the groups gnomAD compares: Middle Eastern, 0.016%; no homozygotes.

Submissions (2):

Ambry Genetics
Classification: Uncertain significance for Cardiovascular phenotype. Last evaluated: 2025-10-27. Review status: criteria provided, single submitter. Criteria: Ambry Variant Classification Scheme 2023. Collection method: clinical testing. Allele origin: germline.
Comment: The p.R322Q variant (also known as c.965G>A), located in coding exon 1 of the DOLK gene, results from a G to A substitution at nucleotide position 965. The arginine at codon 322 is replaced by glutamine, an amino acid with highly similar properties. This amino acid position is conserved. In addition, this alteration is predicted to be deleterious by in silico analysis. Since supporting evidence is limited at this time, the clinical significance of this alteration remains unclear.

Labcorp Genetics (formerly Invitae), Labcorp
Classification: Uncertain significance for DK1-congenital disorder of glycosylation. Last evaluated: 2024-04-08. Review status: criteria provided, single submitter. Criteria: Invitae Variant Classification Sherloc (09022015). Collection method: clinical testing. Allele origin: germline.
Comment: This sequence change replaces arginine, which is basic and polar, with glutamine, which is neutral and polar, at codon 322 of the DOLK protein (p.Arg322Gln). This variant is present in population databases (rs780038695, gnomAD 0.003%). This variant has not been reported in the literature in individuals affected with DOLK-related conditions. ClinVar contains an entry for this variant (Variation ID: 1903397). An algorithm developed to predict the effect of missense changes on protein structure and function (PolyPhen-2) suggests that this variant is likely to be disruptive. In summary, the available evidence is currently insufficient to determine the role of this variant in disease. Therefore, it has been classified as a Variant of Uncertain Significance.